The following is an entry in ClinVar:

NM_001040142.2(SCN2A):c.3463G>C (p.Glu1155Gln)

Gene: SCN2A (sodium voltage-gated channel alpha subunit 2; plus strand). Cytogenetic location: 2q24.3.
Variant type: single nucleotide variant.
Coding change: c.3463G>C on transcript NM_001040142.2 (MANE Select); coding-DNA position 3463, G replaced by C.
Protein change: p.Glu1155Gln; replaces glutamic acid 1155 with glutamine.
Molecular consequence: missense variant.
Genome position (GRCh38, 1-based): chr2:165,365,206, G>C. VCF-style: chr2-165365206-G-C. GRCh37 (hg19) VCF-style: chr2-166221716-G-C.
Other names: c.3463G>C, p.Glu1155Gln (NM_001040143.2, NM_001371246.1, NM_001371247.1 and 1 more transcripts); short protein forms E1155Q.
Identifiers: ClinVar variation 1315754 (VCV001315754.2), dbSNP rs1553589022, ClinGen allele CA349024693.

ClinVar aggregate classification (germline): Uncertain significance (1 of 4 stars; one submission).

Submission:

GeneDx
Classification: Uncertain significance. Last evaluated: 2019-06-26. Review status: criteria provided, single submitter. Criteria: GeneDx Variant Classification Process June 2021. Collection method: clinical testing. Allele origin: germline. Affected: yes.
Comment: Not observed in large population cohorts (Lek et al., 2016); The majority of missense variants in this gene are considered pathogenic (Stenson et al., 2014); In silico analysis, which includes protein predictors and evolutionary conservation, supports that this variant does not alter protein structure/function; Has not been previously published as pathogenic or benign to our knowledge; This substitution is predicted to be in the cytoplasmic loop between second and third homologous domain